The following is an entry in ClinVar:

ClinVar aggregate classification (germline): Uncertain significance (1 of 4 stars; one submission).

Conditions:
Hereditary cancer-predisposing syndrome. Also called: Hereditary Cancer Syndrome; Hereditary neoplastic syndrome; Tumor predisposition; Neoplastic Syndromes, Hereditary. Identifiers: Orphanet 140162, MedGen C0027672, MeSH D009386, MONDO:0015356.

Submission:

Ambry Genetics
Classification: Uncertain significance for Hereditary cancer-predisposing syndrome. Last evaluated: 2021-06-11. Review status: criteria provided, single submitter. Criteria: Ambry Variant Classification Scheme 2023. Collection method: clinical testing. Allele origin: germline.
Comment: The p.G783A variant (also known as c.2348G>C), located in coding exon 15 of the BRIP1 gene, results from a G to C substitution at nucleotide position 2348. The glycine at codon 783 is replaced by alanine, an amino acid with similar properties. This amino acid position is highly conserved in available vertebrate species. In addition, this alteration is predicted to be deleterious by in silico analysis. Since supporting evidence is limited at this time, the clinical significance of this alteration remains unclear.

NM_032043.3(BRIP1):c.2348G>C (p.Gly783Ala)

Gene: BRIP1 (BRCA1 interacting DNA helicase 1; minus strand). Cytogenetic location: 17q23.2.
Variant type: single nucleotide variant.
Coding change: c.2348G>C on transcript NM_032043.3 (MANE Select); coding-DNA position 2348, G replaced by C.
Protein change: p.Gly783Ala; replaces glycine 783 with alanine.
Molecular consequence: missense variant.
Genome position (GRCh38, 1-based): chr17:61,743,044, C>G on the plus strand (G>C on the coding strand, the complement: BRIP1 is on the minus strand). VCF-style: chr17-61743044-C-G. GRCh37 (hg19) VCF-style: chr17-59820405-C-G.
Other names: short protein forms G783A.
Identifiers: ClinVar variation 1789948 (VCV001789948.2), dbSNP rs2077006387, ClinGen allele CA400482584.